The following is an entry in ClinVar:

ClinVar aggregate classification (germline): Likely pathogenic (1 of 4 stars; one submission).

Conditions:
THRB-related disorder. Also called: THRB-related condition.

Submission:

PreventionGenetics, part of Exact Sciences
Classification: Likely pathogenic for THRB-related condition. Last evaluated: 2022-10-24. Review status: criteria provided, single submitter. Criteria: ACMG Guidelines, 2015. Collection method: clinical testing. Allele origin: germline.
Comment: The THRB c.740C>T variant is predicted to result in the amino acid substitution p.Pro247Leu. This variant was reported to segregate in a family where resistance to thyroid hormone was reported; at least one individual was described as presenting with goiter and palpitations. Seven additional family members were also found to be heterozygous for the variant, but variability in free thyroxine and thyrotropin was reported. Functional studies revealed this variant reduced binding affinity and transactivation activity of the protein. However the authors commented this variant results in mild thyrotroph and peripheral tissue resistance to thyroid hormone leading to a mild clinical phenotype with variability (Pohlenz et al. 1999. PubMed ID: 10646658). Recently, the mild impairment of this missense change was also reported to have a mild impairment on protein structure or a weak dominant negative effect (Okazaki-Hada et al. 2021. PubMed ID: 34727089). At PreventionGenetics, we have observed this variant in two related individuals with a thyroid horomone resistance phenotype. Taken together, we interpret this variant as likely pathogenic.

NM_001354712.2(THRB):c.740C>T (p.Pro247Leu)

Gene: THRB (thyroid hormone receptor beta; minus strand). Cytogenetic location: 3p24.2.
Variant type: single nucleotide variant.
Coding change: c.740C>T on transcript NM_001354712.2 (MANE Select); coding-DNA position 740, C replaced by T.
Protein change: p.Pro247Leu; replaces proline 247 with leucine.
Molecular consequence: missense variant.
Genome position (GRCh38, 1-based): chr3:24,133,461, G>A on the plus strand (C>T on the coding strand, the complement: THRB is on the minus strand). VCF-style: chr3-24133461-G-A. GRCh37 (hg19) VCF-style: chr3-24174952-G-A.
Other names: c.740C>T, p.Pro247Leu (NM_000461.5, NM_001128176.3, NM_001128177.2 and 12 more transcripts); c.647C>T, p.Pro216Leu (NM_001354714.2, NM_001354715.2); short protein forms P216L, P247L.
Identifiers: ClinVar variation 2636480 (VCV002636480.1), dbSNP rs2471929571, ClinGen allele CA351889924.
Genomic context (GRCh38, chr3:24,133,461, plus strand): 5'-TCCAAGTCAACCTTTCCACCTTCTGGGGCATTGACTATTGGTGCTTGTCCAATGTCTTCT[G>A]GCTAAGGAGGAGAAAAAAGAAAGATTTAAATGAAGAAGTTGAAGGGAGCTTTATTTATCA-3'
Protein context (NP_001341641.1, residues 237-257): SHWKQKRKFL[Pro247Leu]EDIGQAPIVN